The following is an entry in ClinVar:

ClinVar aggregate classification (germline): Uncertain significance (1 of 4 stars; one submission).

Allele frequency attached by ClinVar (database versions not stated): gnomAD 0.00001 and 0.00003; gnomAD exomes 0.00001; TOPMed 0.00001.
gnomAD v4.1: 3 of 1,209,699 alleles (0.00025%); highest among the groups gnomAD compares: Non-Finnish European, 0.00034%; no homozygotes.

Submission:

GeneDx
Classification: Uncertain significance. Last evaluated: 2025-06-24. Review status: criteria provided, single submitter. Criteria: GeneDx Variant Classification Process June 2021. Collection method: clinical testing. Allele origin: germline. Affected: yes.
Comment: In silico analysis supports that this missense variant has a deleterious effect on protein structure/function; Has not been previously published as pathogenic or benign to our knowledge

NM_001008537.3(NEXMIF):c.2582G>A (p.Cys861Tyr)

Gene: NEXMIF (neurite extension and migration factor; minus strand). Cytogenetic location: Xq13.3.
Variant type: single nucleotide variant.
Coding change: c.2582G>A on transcript NM_001008537.3 (MANE Select); coding-DNA position 2582, G replaced by A.
Protein change: p.Cys861Tyr; replaces cysteine 861 with tyrosine.
Molecular consequence: missense variant.
Genome position (GRCh38, 1-based): chrX:74,741,975, C>T on the plus strand (G>A on the coding strand, the complement: NEXMIF is on the minus strand). VCF-style: chrX-74741975-C-T. GRCh37 (hg19) VCF-style: chrX-73961810-C-T.
Other names: short protein forms C861Y.
Identifiers: ClinVar variation 1320608 (VCV001320608.3), dbSNP rs942852403, ClinGen allele CA331301750.